The following is an entry in ClinVar:

NM_024426.6(WT1):c.*2G>T

Gene: WT1 (WT1 transcription factor; minus strand). Cytogenetic location: 11p13.
Variant type: single nucleotide variant.
Coding change: c.*2G>T on transcript NM_024426.6 (MANE Select); 2 bases downstream of the stop codon, G replaced by T.
Molecular consequence: 3 prime UTR variant. On other transcripts: non-coding transcript variant (2).
Genome position (GRCh38, 1-based): chr11:32,389,056, C>A on the plus strand (G>T on the coding strand, the complement: WT1 is on the minus strand). VCF-style: chr11-32389056-C-A. GRCh37 (hg19) VCF-style: chr11-32410602-C-A.
Other names: c.*2G>T (NM_000378.6, NM_001198551.2, NM_001198552.2 and 14 more transcripts).
Identifiers: ClinVar variation 4758582 (VCV004758582.1).
Genomic context (GRCh38, chr11:32,389,056, plus strand): 5'-ACTTGAAAGCAGTTCACACACTGTGCTGCCTGGGACACTGAACGGTCCCCGAGGGAGACC[C>A]CTCAAAGCGCCAGCTGGAGTTTGGTCATGTTTCTCTGATGCATGTTGTGATGGCGGACTA-3'

ClinVar aggregate classification (germline): Uncertain significance (1 of 4 stars; one submission).

Conditions:
Wilms tumor 1 (WT1). Also called: Wilms tumor, somatic. Identifiers: Orphanet 654, MedGen CN033288, MONDO:0008679, OMIM 194070.

gnomAD v4.1: 5 of 1,614,206 alleles (0.00031%); highest among the groups gnomAD compares: Non-Finnish European, 0.00042%; no homozygotes.

Submission:

Color Diagnostics, LLC DBA Color Health
Classification: Uncertain significance for Wilms tumor 1. Last evaluated: 2025-06-18. Review status: criteria provided, single submitter. Criteria: ACMG Guidelines, 2015. Collection method: clinical testing. Allele origin: germline.
Comment: This variant is located in the 3' untranslated region of the WT1 gene. To our knowledge, functional studies have not been reported for this variant. This variant has not been reported in individuals affected with WT1-related disorders in the literature. This variant has been identified in 2/251428 chromosomes in the general population by the Genome Aggregation Database (gnomAD). The available evidence is insufficient to determine the role of this variant in disease conclusively. Therefore, this variant is classified as a Variant of Uncertain Significance.